The following is an entry in ClinVar:

NM_017721.5(CC2D1A):c.1905C>T (p.Thr635=)

Gene: CC2D1A (coiled-coil and C2 domain containing 1A; plus strand). Cytogenetic location: 19p13.12.
Variant type: single nucleotide variant.
Coding change: c.1905C>T on transcript NM_017721.5 (MANE Select); coding-DNA position 1905, C replaced by T.
Protein change: p.Thr635=; no amino-acid change (threonine 635 retained).
Molecular consequence: synonymous variant.
Genome position (GRCh38, 1-based): chr19:13,923,776, C>T. VCF-style: chr19-13923776-C-T. GRCh37 (hg19) VCF-style: chr19-14034589-C-T.
Other names: c.1905C>T, p.Thr635= (NM_001411138.1).
Identifiers: ClinVar variation 2821369 (VCV002821369.25), dbSNP rs199825814, ClinGen allele CA9244850.
Genomic context (GRCh38, chr19:13,923,776, plus strand): 5'-CTGTAAGCGGAGCATGGACATTCTGAAGCAAGCCTTCGTCCGGGGTCTCCCCACGCCCAC[C>T]GCCCGCTTTGAGCAAAGGACCTTCAGCGTCATCAAGTAAGGCTCCTGATCTACGCCCCAC-3'
Protein context (NP_060191.3, residues 625-645): QAFVRGLPTP[Thr635=]ARFEQRTFSV

ClinVar aggregate classification (germline): Likely benign. Review status: criteria provided, multiple submitters, no conflicts (2 of 4 stars). 2 submissions from 2 submitters: Likely benign (2). Last evaluated 2024-05-06.

Allele frequency attached by ClinVar (database versions not stated): gnomAD exomes 0.00001; ExAC 0.00002; gnomAD 0.00003; TOPMed 0.00003; 1000 Genomes Project 0.00020; 1000 Genomes Project 30x 0.00031.
gnomAD v4.1: 19 of 1,614,112 alleles (0.0012%); highest among the groups gnomAD compares: African/African-American, 0.0053%; no homozygotes.

Submissions (2):

Labcorp Genetics (formerly Invitae), Labcorp
Classification: Likely benign. Last evaluated: 2024-05-06. Review status: criteria provided, single submitter. Criteria: Invitae Variant Classification Sherloc (09022015). Collection method: clinical testing. Allele origin: germline.

CeGaT Center for Human Genetics Tuebingen
Classification: Likely benign. Last evaluated: 2024-02-01. Review status: criteria provided, single submitter. Criteria: CeGaT Center For Human Genetics Tuebingen Variant Classification Criteria Version 2. Collection method: clinical testing. Allele origin: germline. Affected: yes. Observed: 1 variant allele.
Comment: CC2D1A: BP4, BP7